The following is an entry in ClinVar:

ClinVar aggregate classification (germline): Benign. Review status: criteria provided, multiple submitters, no conflicts (2 of 4 stars). 18 submissions from 15 submitters: Benign (13). 5 of the submissions do not count toward it. Last evaluated 2026-02-04.

Conditions:
Amyotrophic lateral sclerosis type 2, juvenile. Also called: ALS, JUVENILE; Amyotrophic lateral sclerosis type 2. Identifiers: Orphanet 300605, MedGen C1859807, MONDO:0008780, OMIM 205100.
ALS2-related disorder. Also called: ALS2-Related Spectrum Disorders; ALS2-related disorders; ALS2-related condition. Identifiers: MedGen CN169291.
Infantile-onset ascending hereditary spastic paralysis (IAHSP). Also called: Autosomal Recessive Juvenile Amyotrophic Lateral Sclerosis; Infantile-Onset Ascending Hereditary Spastic Paralysis (IAHSP). Identifiers: Orphanet 293168, MedGen C2931441, MONDO:0011797, OMIM 607225. Disease mechanism: loss of function.
Juvenile primary lateral sclerosis (PLSJ). Also called: Juvenile Primary Lateral Sclerosis (JPLS). Identifiers: Orphanet 247604, MedGen C1853396, MONDO:0011663, OMIM 606353.

Allele frequency attached by ClinVar (database versions not stated): ESP Exome Variant Server 0.16274; TOPMed 0.16897; gnomAD 0.17898; gnomAD exomes 0.20388; ExAC 0.20908; 1000 Genomes Project 30x 0.25468; 1000 Genomes Project 0.26538.

Submissions (18):

Labcorp Genetics (formerly Invitae), Labcorp
Classification: Benign for Infantile-onset ascending hereditary spastic paralysis. Last evaluated: 2026-02-04. Review status: criteria provided, single submitter. Criteria: Invitae Variant Classification Sherloc (09022015). Collection method: clinical testing. Allele origin: germline.

Blueprint Genetics
Classification: Benign. Last evaluated: 2024-11-26. Review status: criteria provided, single submitter. Criteria: ACMG Guidelines, 2015. Collection method: clinical testing. Allele origin: germline.

ARUP Laboratories, Molecular Genetics and Genomics, ARUP Laboratories
Classification: Benign. Last evaluated: 2023-11-29. Review status: criteria provided, single submitter. Criteria: ARUP Molecular Germline Variant Investigation Process 2024. Collection method: clinical testing. Allele origin: germline.

Genome-Nilou Lab
Classification: Benign for Amyotrophic lateral sclerosis type 2, juvenile. Last evaluated: 2021-07-14. Review status: criteria provided, single submitter. Criteria: ACMG Guidelines, 2015. Collection method: clinical testing. Allele origin: germline. Affected: no.

Genome-Nilou Lab
Classification: Benign for Juvenile primary lateral sclerosis. Last evaluated: 2021-07-14. Review status: criteria provided, single submitter. Criteria: ACMG Guidelines, 2015. Collection method: clinical testing. Allele origin: germline. Affected: no.

Genome-Nilou Lab
Classification: Benign for Infantile-onset ascending hereditary spastic paralysis. Last evaluated: 2021-07-14. Review status: criteria provided, single submitter. Criteria: ACMG Guidelines, 2015. Collection method: clinical testing. Allele origin: germline. Affected: no.

Athena Diagnostics
Classification: Benign. Last evaluated: 2019-09-20. Review status: criteria provided, single submitter. Criteria: Athena Diagnostics Criteria. Collection method: clinical testing. Allele origin: unknown.

GeneDx
Classification: Benign. Last evaluated: 2018-07-06. Review status: criteria provided, single submitter. Criteria: GeneDx Variant Classification Process June 2021. Collection method: clinical testing. Allele origin: germline. Affected: yes.

Illumina Laboratory Services, Illumina
Classification: Benign for ALS2-Related Disorders. Last evaluated: 2018-01-13. Review status: criteria provided, single submitter. Criteria: ICSL Variant Classification Criteria 13 December 2019. Collection method: clinical testing. Allele origin: germline.
Comment: This variant was observed in the ICSL laboratory as part of a predisposition screen in an ostensibly healthy population. It had not been previously curated by ICSL or reported in the Human Gene Mutation Database (HGMD: prior to June 1st, 2018), and was therefore a candidate for classification through an automated scoring system. Utilizing variant allele frequency, disease prevalence and penetrance estimates, and inheritance mode, an automated score was calculated to assess if this variant is too frequent to cause the disease. Based on the score and internal cut-off values, a variant classified as benign is not then subjected to further curation. The score for this variant resulted in a classification of benign for this disease.

Illumina Laboratory Services, Illumina
Classification: Benign for Amyotrophic lateral sclerosis type 2. Last evaluated: 2018-01-13. Review status: criteria provided, single submitter. Criteria: ICSL Variant Classification Criteria 13 December 2019. Collection method: clinical testing. Allele origin: germline.
Comment: the same text as in the submission from Illumina Laboratory Services, Illumina above.

Mayo Clinic Laboratories, Mayo Clinic
Classification: Benign. Last evaluated: 2017-12-21. Review status: criteria provided, single submitter. Criteria: ACMG Guidelines, 2015. Collection method: clinical testing. Allele origin: germline. Observed: 394 variant alleles.

Breakthrough Genomics
Classification: Benign. Review status: criteria provided, single submitter. Criteria: ACMG Guidelines, 2015. Collection method: not provided. Allele origin: germline. Inheritance: Autosomal recessive inheritance. Affected: yes.

PreventionGenetics, part of Exact Sciences
Classification: Benign. Review status: criteria provided, single submitter. Criteria: ACMG Guidelines, 2015. Collection method: clinical testing. Allele origin: germline.

Clinical Genetics DNA and cytogenetics Diagnostics Lab, Erasmus MC, Erasmus Medical Center
Classification: Benign. Review status: no assertion criteria provided. Collection method: clinical testing. Allele origin: germline. Affected: yes. Study: VKGL Data-share Consensus. Not counted in ClinVar's aggregate classification.

Clinical Genetics, Academic Medical Center
Classification: Benign. Review status: no assertion criteria provided. Collection method: clinical testing. Allele origin: germline. Affected: yes. Study: VKGL Data-share Consensus. Not counted in ClinVar's aggregate classification.

Genome Diagnostics Laboratory, Amsterdam University Medical Center
Classification: Benign. Review status: no assertion criteria provided. Collection method: clinical testing. Allele origin: germline. Affected: yes. Study: VKGL Data-share Consensus. Not counted in ClinVar's aggregate classification.

Genome Diagnostics Laboratory, University Medical Center Utrecht
Classification: Benign. Review status: no assertion criteria provided. Collection method: clinical testing. Allele origin: germline. Affected: yes. Study: VKGL Data-share Consensus. Not counted in ClinVar's aggregate classification.

Joint Genome Diagnostic Labs from Nijmegen and Maastricht, Radboudumc and MUMC+
Classification: Benign. Review status: no assertion criteria provided. Collection method: clinical testing. Allele origin: germline. Affected: yes. Study: VKGL Data-share Consensus. Not counted in ClinVar's aggregate classification.

NM_020919.4(ALS2):c.4580+7G>A

Gene: ALS2 (alsin Rho guanine nucleotide exchange factor ALS2; minus strand). Cytogenetic location: 2q33.1.
Variant type: single nucleotide variant.
Coding change: c.4580+7G>A on transcript NM_020919.4 (MANE Select); 7 bases into the intron after coding-DNA position 4580, G replaced by A.
Molecular consequence: intron variant.
Genome position (GRCh38, 1-based): chr2:201,706,839, C>T on the plus strand (G>A on the coding strand, the complement: ALS2 is on the minus strand). VCF-style: chr2-201706839-C-T. GRCh37 (hg19) VCF-style: chr2-202571562-C-T.
Other names: p.?.
Identifiers: ClinVar variation 261378 (VCV000261378.39), dbSNP rs3219169, ClinGen allele CA2057550.